The following is an entry in ClinVar:

ClinVar aggregate classification (germline): Uncertain significance. Review status: criteria provided, multiple submitters, no conflicts (2 of 4 stars). 2 submissions from 2 submitters: Uncertain significance (2). Last evaluated 2025-08-05.

Conditions:
EP300-related disorder. Also called: EP300-related disorders; EP300-related condition.
Rubinstein-Taybi syndrome due to EP300 haploinsufficiency. Also called: EP300-Related Rubinstein-Taybi Syndrome; RUBINSTEIN-TAYBI SYNDROME 2. Identifiers: Orphanet 353284, Orphanet 783, MedGen C3150941, MONDO:0013364, OMIM 613684.

Submissions (2):

PreventionGenetics, part of Exact Sciences
Classification: Uncertain significance for EP300-related condition. Last evaluated: 2025-08-05. Review status: criteria provided, single submitter. Criteria: ACMG Guidelines, 2015. Collection method: clinical testing. Allele origin: germline.
Comment: The EP300 c.3669A>C variant is predicted to result in the amino acid substitution p.Gln1223His. To our knowledge, this variant has not been reported in the literature or in a large population database, indicating this variant is rare. At this time, the clinical significance of this variant is uncertain due to the absence of conclusive functional and genetic evidence.

Labcorp Genetics (formerly Invitae), Labcorp
Classification: Uncertain significance for Rubinstein-Taybi syndrome due to EP300 haploinsufficiency. Last evaluated: 2024-07-24. Review status: criteria provided, single submitter. Criteria: Invitae Variant Classification Sherloc (09022015). Collection method: clinical testing. Allele origin: germline.
Comment: This sequence change replaces glutamine, which is neutral and polar, with histidine, which is basic and polar, at codon 1223 of the EP300 protein (p.Gln1223His). This variant is not present in population databases (gnomAD no frequency). This variant has not been reported in the literature in individuals affected with EP300-related conditions. An algorithm developed to predict the effect of missense changes on protein structure and function (PolyPhen-2) suggests that this variant is likely to be disruptive. In summary, the available evidence is currently insufficient to determine the role of this variant in disease. Therefore, it has been classified as a Variant of Uncertain Significance.

NM_001429.4(EP300):c.3669A>C (p.Gln1223His)

Gene: EP300 (EP300 lysine acetyltransferase; plus strand). Cytogenetic location: 22q13.2.
Variant type: single nucleotide variant.
Coding change: c.3669A>C on transcript NM_001429.4 (MANE Select); coding-DNA position 3669, A replaced by C.
Protein change: p.Gln1223His; replaces glutamine 1223 with histidine.
Molecular consequence: missense variant.
Genome position (GRCh38, 1-based): chr22:41,160,720, A>C. VCF-style: chr22-41160720-A-C. GRCh37 (hg19) VCF-style: chr22-41556724-A-C.
Other names: c.3591A>C, p.Gln1197His (NM_001362843.2); c.3669A>C (NM_001429.3); short protein forms Q1197H, Q1223H.
Identifiers: ClinVar variation 3616868 (VCV003616868.3).
Genomic context (GRCh38, chr22:41,160,720, plus strand): 5'-GTGTTTCAATGAGATCCAAGGGGAGAGCGTTTCTTTGGGGGATGACCCTTCCCAGCCTCA[A>C]ACGTAAGTAACTGCATTATTTTGAAAAGTGCTAATTAGTTTGTTGTCCAGTGATTATGCA-3'
Protein context (NP_001420.2, residues 1213-1233): VSLGDDPSQP[Gln1223His]TTINKEQFSK